The following is an entry in ClinVar:

ClinVar aggregate classification (germline): Uncertain significance (1 of 4 stars; one submission).

Conditions:
Epidermolysis bullosa simplex 5B, with muscular dystrophy (EBS5B). Also called: EPIDERMOLYSIS BULLOSA SIMPLEX AND LIMB-GIRDLE MUSCULAR DYSTROPHY; Epidermolysis bullosa simplex with muscular dystrophy. Identifiers: Orphanet 257, MedGen C2931072, MONDO:0009181, OMIM 226670.
Epidermolysis bullosa simplex, Ogna type (EBS5A). Also called: Pidermolysis bullosa simplex 5A, Ogna type; EPIDERMOLYSIS BULLOSA SIMPLEX 5A, OGNA TYPE. Identifiers: Orphanet 79401, MedGen C0432317, MONDO:0007555, OMIM 131950.
Epidermolysis bullosa simplex 5C, with pyloric atresia (EBS5C). Also called: PLEC-Related Epidermolysis Bullosa with Pyloric Atresia; Epidermolysis bullosa simplex with pyloric atresia; PLEC1-Related Epidermolysis Bullosa with Pyloric Atresia. Identifiers: Orphanet 158684, MedGen C2677349, MONDO:0012807, OMIM 612138.
Autosomal recessive limb-girdle muscular dystrophy type 2Q (LGMDR17). Also called: MUSCULAR DYSTROPHY, LIMB-GIRDLE, AUTOSOMAL RECESSIVE 17. Identifiers: Orphanet 254361, MedGen C3150989, MONDO:0013390, OMIM 613723.
Epidermolysis bullosa simplex with nail dystrophy (EBS5D). Identifiers: MedGen C4225309, MONDO:0014661, OMIM 616487.

Allele frequency attached by ClinVar (database versions not stated): TOPMed 0.00002.
gnomAD v4.1: 46 of 1,599,122 alleles (0.0029%); highest among the groups gnomAD compares: Non-Finnish European, 0.0035%; no homozygotes.

Submission:

Labcorp Genetics (formerly Invitae), Labcorp
Classification: Uncertain significance for Autosomal recessive limb-girdle muscular dystrophy type 2Q; Epidermolysis bullosa simplex, Ogna type; Epidermolysis bullosa simplex with nail dystrophy; Epidermolysis bullosa simplex 5C, with pyloric atresia; Epidermolysis bullosa simplex 5B, with muscular dystrophy. Last evaluated: 2022-05-03. Review status: criteria provided, single submitter. Criteria: Invitae Variant Classification Sherloc (09022015). Collection method: clinical testing. Allele origin: germline.
Comment: In summary, the available evidence is currently insufficient to determine the role of this variant in disease. Therefore, it has been classified as a Variant of Uncertain Significance. Algorithms developed to predict the effect of missense changes on protein structure and function are either unavailable or do not agree on the potential impact of this missense change (SIFT: "Deleterious"; PolyPhen-2: "Not Available"; Align-GVGD: "Class C35"). This variant has not been reported in the literature in individuals affected with PLEC-related conditions. This variant is present in population databases (no rsID available, gnomAD 0.002%). This sequence change replaces arginine, which is basic and polar, with proline, which is neutral and non-polar, at codon 942 of the PLEC protein (p.Arg942Pro).

NM_201384.3(PLEC):c.2744G>C (p.Arg915Pro)

Gene: PLEC (plectin; minus strand). Cytogenetic location: 8q24.3.
Variant type: single nucleotide variant.
Coding change: c.2744G>C on transcript NM_201384.3 (MANE Select); coding-DNA position 2744, G replaced by C.
Protein change: p.Arg915Pro; replaces arginine 915 with proline.
Molecular consequence: missense variant.
Genome position (GRCh38, 1-based): chr8:143,929,825, C>G on the plus strand (G>C on the coding strand, the complement: PLEC is on the minus strand). VCF-style: chr8-143929825-C-G. GRCh37 (hg19) VCF-style: chr8-145003993-C-G.
Other names: c.2825G>C, p.Arg942Pro (NM_000445.5, NM_001410941.1); c.2702G>C, p.Arg901Pro (NM_201378.4); c.2678G>C, p.Arg893Pro (NM_201379.3); c.3155G>C, p.Arg1052Pro (NM_201380.4); c.2648G>C, p.Arg883Pro (NM_201381.3); c.2744G>C, p.Arg915Pro (NM_201382.4); c.2756G>C, p.Arg919Pro (NM_201383.3); short protein forms R1052P, R893P, R942P, R919P, R901P, R883P, R915P.
Identifiers: ClinVar variation 2051516 (VCV002051516.4), dbSNP rs781951273, ClinGen allele CA372572693.